The following is an entry in ClinVar:

ClinVar aggregate classification (germline): Likely pathogenic (1 of 4 stars; one submission).

Conditions:
Atrial fibrillation, familial, 18 (ATFB18). Identifiers: MedGen C4310636, MONDO:0015001, OMIM 617280.

Allele frequency attached by ClinVar (database versions not stated): ExAC 0.00001; TOPMed 0.00002.
gnomAD v4.1: 9 of 1,611,974 alleles (0.00056%); highest among the groups gnomAD compares: Non-Finnish European, 0.00076%; no homozygotes.

Submission:

Labcorp Genetics (formerly Invitae), Labcorp
Classification: Likely pathogenic for Atrial fibrillation, familial, 18. Last evaluated: 2025-02-20. Review status: criteria provided, single submitter. Criteria: Invitae Variant Classification Sherloc (09022015). Collection method: clinical testing. Allele origin: germline.
Comment: This sequence change affects a donor splice site in intron 5 of the MYL4 gene. It is expected to disrupt RNA splicing. Variants that disrupt the donor or acceptor splice site typically lead to a loss of protein function (PMID: 16199547), and loss-of-function variants in MYL4 are known to be pathogenic (PMID: 25807286, 27742809). This variant is present in population databases (rs769405762, gnomAD 0.0009%). This variant has not been reported in the literature in individuals affected with MYL4-related conditions. ClinVar contains an entry for this variant (Variation ID: 476205). Algorithms developed to predict the effect of sequence changes on RNA splicing suggest that this variant may disrupt the consensus splice site. In summary, the currently available evidence indicates that the variant is pathogenic, but additional data are needed to prove that conclusively. Therefore, this variant has been classified as Likely Pathogenic.

Literature cited by the submitters: PubMed 16199547; PubMed 25807286; PubMed 27742809.

NM_002476.2(MYL4):c.487+1G>C

Gene: MYL4 (myosin light chain 4; plus strand). Cytogenetic location: 17q21.32.
Variant type: single nucleotide variant.
Coding change: c.487+1G>C on transcript NM_002476.2 (MANE Select); the canonical splice donor site of the intron after coding-DNA position 487, G replaced by C.
Molecular consequence: splice donor variant.
Genome position (GRCh38, 1-based): chr17:47,221,856, G>C. VCF-style: chr17-47221856-G-C. GRCh37 (hg19) VCF-style: chr17-45299222-G-C.
Other names: c.487+1G>C (NM_001002841.2).
Identifiers: ClinVar variation 476205 (VCV000476205.7), dbSNP rs769405762, ClinGen allele CA8622750.